The following is an entry in ClinVar:

ClinVar aggregate classification (germline): Uncertain significance. Review status: criteria provided, multiple submitters, no conflicts (2 of 4 stars). 5 submissions from 5 submitters: Uncertain significance (5). Last evaluated 2025-12-22.

Conditions:
Hereditary cancer-predisposing syndrome. Also called: Neoplastic Syndromes, Hereditary; Tumor predisposition; Hereditary neoplastic syndrome; Hereditary Cancer Syndrome. Identifiers: Orphanet 140162, MedGen C0027672, MeSH D009386, MONDO:0015356.

Allele frequency attached by ClinVar (database versions not stated): gnomAD exomes 0.00001 and below 0.00001; TOPMed 0.00003; gnomAD 0.00004.
gnomAD v4.1: 16 of 1,614,060 alleles (0.00099%); highest among the groups gnomAD compares: East Asian, 0.0045%; no homozygotes.

Submissions (5):

Labcorp Genetics (formerly Invitae), Labcorp
Classification: Uncertain significance. Last evaluated: 2025-12-22. Review status: criteria provided, single submitter. Criteria: Invitae Variant Classification Sherloc (09022015). Collection method: clinical testing. Allele origin: germline.
Comment: This sequence change replaces asparagine, which is neutral and polar, with aspartic acid, which is acidic and polar, at codon 513 of the POLE protein (p.Asn513Asp). This variant is present in population databases (rs200136603, gnomAD 0.002%). This variant has not been reported in the literature in individuals affected with POLE-related conditions. ClinVar contains an entry for this variant (Variation ID: 473467). Invitae Evidence Modeling of protein sequence and biophysical properties (such as structural, functional, and spatial information, amino acid conservation, physicochemical variation, residue mobility, and thermodynamic stability) indicates that this missense variant is not expected to disrupt POLE protein function with a negative predictive value of 80%. In summary, the available evidence is currently insufficient to determine the role of this variant in disease. Therefore, it has been classified as a Variant of Uncertain Significance.

Dasa
Classification: Uncertain significance. Last evaluated: 2025-11-10. Review status: criteria provided, single submitter. Criteria: DASA Assertion Criteria. Collection method: clinical testing. Allele origin: germline.
Comment: NM_006231.4(POLE):c.1537A>G (p.Asn513Asp) is a missense variant that results in the substitution of asparagine with aspartic acid. This variant is rare in population databases. The currently available literature and clinical evidence are not sufficient to establish a definitive association between this variant and the reported condition. Therefore, this variant is classified as a variant of uncertain significance.

Ambry Genetics
Classification: Uncertain significance for Hereditary cancer-predisposing syndrome. Last evaluated: 2025-08-23. Review status: criteria provided, single submitter. Criteria: Ambry Variant Classification Scheme 2023. Collection method: clinical testing. Allele origin: germline.

GeneDx
Classification: Uncertain significance. Last evaluated: 2024-06-24. Review status: criteria provided, single submitter. Criteria: GeneDx Variant Classification Process June 2021. Collection method: clinical testing. Allele origin: germline. Affected: yes.
Comment: Not observed at significant frequency in large population cohorts (gnomAD); In silico analysis supports that this missense variant has a deleterious effect on protein structure/function; Has not been previously published as pathogenic or benign to our knowledge; This variant is associated with the following publications: (PMID: 29056344)

Quest Diagnostics Nichols Institute San Juan Capistrano
Classification: Uncertain significance. Last evaluated: 2020-03-19. Review status: criteria provided, single submitter. Criteria: Quest Diagnostics criteria. Collection method: clinical testing. Allele origin: unknown.

NM_006231.4(POLE):c.1537A>G (p.Asn513Asp)

Gene: POLE (DNA polymerase epsilon, catalytic subunit; minus strand). Cytogenetic location: 12q24.33.
Variant type: single nucleotide variant.
Coding change: c.1537A>G on transcript NM_006231.4 (MANE Select); coding-DNA position 1537, A replaced by G.
Protein change: p.Asn513Asp; replaces asparagine 513 with aspartic acid.
Molecular consequence: missense variant.
Genome position (GRCh38, 1-based): chr12:132,672,776, T>C on the plus strand (A>G on the coding strand, the complement: POLE is on the minus strand). VCF-style: chr12-132672776-T-C. GRCh37 (hg19) VCF-style: chr12-133249362-T-C.
Other names: short protein forms N513D.
Identifiers: ClinVar variation 473467 (VCV000473467.21), dbSNP rs200136603, ClinGen allele CA246293634.